The following is an entry in ClinVar:

ClinVar aggregate classification (germline): Uncertain significance (1 of 4 stars; one submission).

Conditions:
Cardiovascular phenotype. Identifiers: MedGen CN230736.
Hereditary cancer-predisposing syndrome. Also called: Neoplastic Syndromes, Hereditary; Tumor predisposition; Hereditary Cancer Syndrome; Hereditary neoplastic syndrome. Identifiers: Orphanet 140162, MedGen C0027672, MeSH D009386, MONDO:0015356.

Submission:

Ambry Genetics
Classification: Uncertain significance for Cardiovascular phenotype; Hereditary cancer-predisposing syndrome. Last evaluated: 2026-04-22. Review status: criteria provided, single submitter. Criteria: Ambry Variant Classification Scheme 2023. Collection method: clinical testing. Allele origin: germline.
Comment: The p.F358C variant (also known as c.1073T>G), located in coding exon 10 of the NF1 gene, results from a T to G substitution at nucleotide position 1073. The phenylalanine at codon 358 is replaced by cysteine, an amino acid with highly dissimilar properties. This amino acid position is highly conserved in available vertebrate species. In addition, the in silico prediction for this alteration is inconclusive. Based on the available evidence, the clinical significance of this variant remains unclear.

NM_001042492.3(NF1):c.1073T>G (p.Phe358Cys)

Gene: NF1 (neurofibromin 1; plus strand). Cytogenetic location: 17q11.2.
Variant type: single nucleotide variant.
Coding change: c.1073T>G on transcript NM_001042492.3 (MANE Select); coding-DNA position 1073, T replaced by G.
Protein change: p.Phe358Cys; replaces phenylalanine 358 with cysteine.
Molecular consequence: missense variant.
Genome position (GRCh38, 1-based): chr17:31,201,047, T>G. VCF-style: chr17-31201047-T-G. GRCh37 (hg19) VCF-style: chr17-29528065-T-G.
Other names: c.1073T>G, p.Phe358Cys (NM_000267.4, NM_001128147.3); short protein forms F358C.
Identifiers: ClinVar variation 4860922 (VCV004860922.1).
Genomic context (GRCh38, chr17:31,201,047, plus strand): 5'-ATACTGCATGGGTATTTAAAGGCTTTTGTTTTCTGTTGGGGTTTTTATAGAACCTGCTTT[T>G]TAATCCAAGTAAGCCATTCTCAAGAGGCAGTCAGCCTGCAGATGTGGATCTAATGATTGA-3'
Protein context (NP_001035957.1, residues 348-368): SMVVDLKNLL[Phe358Cys]NPSKPFSRGS